The following is an entry in ClinVar:

NM_025099.6(CTC1):c.1990G>A (p.Asp664Asn)

Gene: CTC1 (CST telomere replication complex component 1; minus strand). Cytogenetic location: 17p13.1.
Variant type: single nucleotide variant.
Coding change: c.1990G>A on transcript NM_025099.6 (MANE Select); coding-DNA position 1990, G replaced by A.
Protein change: p.Asp664Asn; replaces aspartic acid 664 with asparagine.
Molecular consequence: missense variant. On other transcripts: non-coding transcript variant (1).
Genome position (GRCh38, 1-based): chr17:8,232,431, C>T on the plus strand (G>A on the coding strand, the complement: CTC1 is on the minus strand). VCF-style: chr17-8232431-C-T. GRCh37 (hg19) VCF-style: chr17-8135749-C-T.
Other names: short protein forms D664N.
Identifiers: ClinVar variation 863041 (VCV000863041.5), dbSNP rs747911941, ClinGen allele CA8372208.

ClinVar aggregate classification (germline): Uncertain significance (1 of 4 stars; one submission).

Conditions:
Dyskeratosis congenita. Identifiers: Orphanet 1775, MedGen C0265965, MONDO:0015780.

Allele frequency attached by ClinVar (database versions not stated): gnomAD exomes 0.00002 and 0.00004; TOPMed below 0.00001; ExAC 0.00002.

Submission:

Labcorp Genetics (formerly Invitae), Labcorp
Classification: Uncertain significance for Dyskeratosis congenita. Last evaluated: 2022-12-27. Review status: criteria provided, single submitter. Criteria: Invitae Variant Classification Sherloc (09022015). Collection method: clinical testing. Allele origin: germline.
Comment: This variant has not been reported in the literature in individuals affected with CTC1-related conditions. This variant is present in population databases (rs747911941, gnomAD 0.03%). This sequence change replaces aspartic acid, which is acidic and polar, with asparagine, which is neutral and polar, at codon 664 of the CTC1 protein (p.Asp664Asn). ClinVar contains an entry for this variant (Variation ID: 863041). In summary, the available evidence is currently insufficient to determine the role of this variant in disease. Therefore, it has been classified as a Variant of Uncertain Significance. Advanced modeling of protein sequence and biophysical properties (such as structural, functional, and spatial information, amino acid conservation, physicochemical variation, residue mobility, and thermodynamic stability) performed at Invitae indicates that this missense variant is not expected to disrupt CTC1 protein function.